The following is an entry in ClinVar:

ClinVar aggregate classification (germline): Pathogenic (1 of 4 stars; one submission).

Submission:

GeneDx
Classification: Pathogenic. Last evaluated: 2021-10-06. Review status: criteria provided, single submitter. Criteria: GeneDx Variant Classification Process June 2021. Collection method: clinical testing. Allele origin: germline. Affected: yes.
Comment: Frameshift variant predicted to result in protein truncation or nonsense mediated decay in a gene for which loss-of-function is a known mechanism of disease; Not observed at significant frequency in large population cohorts (Lek et al., 2016); This variant is associated with the following publications: (PMID: 26077850, 30919572)

NM_015100.4(POGZ):c.2195_2196del (p.Pro732fs)

Gene: POGZ (pogo transposable element derived with ZNF domain; minus strand). Cytogenetic location: 1q21.3.
Variant type: Deletion.
Coding change: c.2195_2196del on transcript NM_015100.4 (MANE Select); coding-DNA positions 2195 to 2196, 2 bases deleted (CT; older notation c.2195_2196delCT).
Protein change: p.Pro732fs; shifts the reading frame from proline 732.
Molecular consequence: frameshift variant.
Genome position (GRCh38, 1-based): chr1:151,408,447-151,408,448, AG deleted on the plus strand (CT on the coding strand, the reverse complement: POGZ is on the minus strand). VCF-style (leftmost placement, unchanged base first): chr1-151408446-CAG-C. GRCh37 (hg19) VCF-style: chr1-151380922-CAG-C.
Other names: c.2168_2169del, p.Pro723fs (NM_001194937.2); c.2009_2010del, p.Pro670fs (NM_001194938.2); c.1910_1911del, p.Pro637fs (NM_145796.4); c.2036_2037del, p.Pro679fs (NM_207171.2); c.2195_2196delCT (NM_015100.3); short protein forms P679fs, P723fs, P637fs, P670fs, P732fs.
Identifiers: ClinVar variation 207800 (VCV000207800.3), dbSNP rs796052220, ClinGen allele CA319619.